The following is an entry in ClinVar:

ClinVar aggregate classification (germline): Uncertain significance. Review status: reviewed by expert panel (3 of 4 stars). 2 submissions from 2 submitters: Uncertain significance (1). 1 of the submissions does not count toward it. Last evaluated 2022-02-11.

Conditions:
Overgrowth syndrome and/or cerebral malformations due to abnormalities in MTOR pathway genes. Identifiers: MedGen CN300503, MONDO:0100283.
Isolated focal cortical dysplasia type II (FCORD2). Also called: Focal cortical dysplasia type II; CORTICAL DYSPLASIA OF TAYLOR. Identifiers: Orphanet 268994, MedGen C1846385, MONDO:0011818, OMIM 607341, HP:0032051.

Submissions (2):

ClinGen Brain Malformations Variant Curation Expert Panel
Classification: Uncertain significance for Overgrowth syndrome and/or cerebral malformations due to abnormalities in MTOR pathway genes. Last evaluated: 2022-02-11. Review status: reviewed by expert panel. Criteria: ClinGen BrainMalform ACMG Specifications v1. Collection method: curation. Allele origin: germline. Inheritance: Autosomal dominant inheritance.
Comment: The c.4375G>T (NM_004958.4) variant in MTOR is a missense variant predicted to cause substitution of (p.Ala1459Ser). This variant is absent from gnomAD v2.1.1 (PM2_Supporting). MTOR, in which the variant was identified, is defined by the ClinGen Brain Malformations Expert Panel as a gene that has a low rate of benign missense variation and where pathogenic missense variants are a common mechanism of disease (PP2). This variant resides within the kinase domain of MTOR that is defined as a critical functional domain by the ClinGen BMEP (PMIDs: 23322780, 27482884, 21210909) (PM1_Supporting). The prevalence of the variant in affected individuals is significantly increased compared with the prevalence in controls (PS4_P; PMID: 27830187; 1 individual with neuroimaging appearance consistent with a malformation of cortical development (without neuropathology)). Testing of unaffected and affected tissue show variable allelic fractions consistent with a post-zygotic event (PS2_Moderate; PMID: 27830187). This variant has been observed cis with the variant [c.4379T>C, p.Leu1460Pro] (PMID: 27830187), (which is classified as pathogenic by the ClinGen BMEP) in an individual with features consistent with this disorder. (BP2). In summary, this variant meets the criteria to be classified as Uncertain significance for mosaic autosomal dominant overgrowth with or without cerebral malformations due to abnormalities in MTOR-pathway genes based on the ACMG/AMP criteria applied, as specified by the ClinGen Brain Malformations Expert Panel: PM2_P, PP2, PM1_P, PS4_P, PS2_M, BP2; 5 points (VCEP specifications version 1; Approved: 1/31/2021)

Clinical Genomics Laboratory, Washington University in St. Louis
Classification: Uncertain significance for Isolated focal cortical dysplasia type II. Last evaluated: 2024-09-12. Review status: criteria provided, single submitter. Criteria: Leon-Quintero et al. (Clin Genet. 2025). Collection method: clinical testing. Allele origin: somatic. Not counted in ClinVar's aggregate classification.
Comment: An MTOR c.4375G>T (p.Ala1459Ser) variant was identified at an allelic fraction consistent with somatic origin. This variant is absent from the general population database (gnomAD v.4.1.0), indicating it is not a common variant. The MTOR c.4375G>T (p.Ala1459Ser) variant resides within the kinase domain of MTOR that is defined as a critical functional domain (Murugan AK et al., PMID: 23322780; Xu J et al., PMID: 27482884; Hardt M et al., PMID: 21210909). The MTOR gene is defined by the ClinGen Brain Malformations expert panel as a gene that has a low rate of benign missense variation and where pathogenic missense variants are a common mechanism of disease. This variant has been observed in a single patient with focal cortical dysplasia, type II in cis with an MTOR c.4379T>C (p.Leu1460Pro) variant, which is classified as pathogenic by the ClinGen Brain Malformations expert panel (Moller RS, et al., PMID: 27830187). Due to limited information, and based on internally developed protocol informed by the ACMG/AMP guidelines for variant interpretation and gene-specific practices from the ClinGen Criteria Specification Registry (Leon-Quintero FZ et al., PMID: 39434542), the MTOR c.4375G>T (p.Ala1459Ser) variant is classified as a variant of uncertain significance at this time.

Literature cited by the submitters: PubMed 27830187 (cited by ClinGen Brain Malformations Variant Curation Expert Panel).

NM_004958.4(MTOR):c.4375G>T (p.Ala1459Ser)

Gene: MTOR (mechanistic target of rapamycin kinase; minus strand). Cytogenetic location: 1p36.22.
Variant type: single nucleotide variant.
Coding change: c.4375G>T on transcript NM_004958.4 (MANE Select); coding-DNA position 4375, G replaced by T.
Protein change: p.Ala1459Ser; replaces alanine 1459 with serine.
Molecular consequence: missense variant.
Genome position (GRCh38, 1-based): chr1:11,157,246, C>A on the plus strand (G>T on the coding strand, the complement: MTOR is on the minus strand). VCF-style: chr1-11157246-C-A. GRCh37 (hg19) VCF-style: chr1-11217303-C-A.
Other names: NM_004958.3:c.4375G>T; NM_001386501.1:c.3127G>T; c.4375G>T, p.Ala1459Ser (NM_001386500.1); c.3127G>T, p.Ala1043Ser (NM_001386501.1); short protein forms A1043S, A1459S.
Identifiers: ClinVar variation 1296994 (VCV001296994.5), dbSNP rs1644347846, ClinGen allele CA338371979.